The following is an entry in ClinVar:

NM_022098.4(XPNPEP3):c.*531T>G

Gene: XPNPEP3 (X-prolyl aminopeptidase 3; plus strand). Cytogenetic location: 22q13.2.
Variant type: single nucleotide variant.
Coding change: c.*531T>G on transcript NM_022098.4 (MANE Select); 531 bases downstream of the stop codon, T replaced by G.
Molecular consequence: 3 prime UTR variant.
Genome position (GRCh38, 1-based): chr22:40,926,966, T>G. VCF-style: chr22-40926966-T-G. GRCh37 (hg19) VCF-style: chr22-41322970-T-G.
Identifiers: ClinVar variation 341683 (VCV000341683.5), dbSNP rs564294482, ClinGen allele CA10654133.
Genomic context (GRCh38, chr22:40,926,966, plus strand): 5'-GATTGTGGGCGGCCAATACATACCTTCTGTAACTCCTCCCTACCTATTCTAGATCCTGCA[T>G]ATCTACTGGAGCCATATGAGCCCTCAGGGGCACTGGTGTCCTGCAGTCTTACTAGTCAGC-3'

ClinVar aggregate classification (germline): Likely benign (1 of 4 stars; one submission).

Conditions:
Nephronophthisis-like nephropathy 1 (NPHPL1). Identifiers: Orphanet 655, MedGen C3150419, MONDO:0013163, OMIM 613159.

Allele frequency attached by ClinVar (database versions not stated): gnomAD exomes 0.00009; gnomAD 0.00186 and 0.00197; TOPMed 0.00216; 1000 Genomes Project 0.00240; 1000 Genomes Project 30x 0.00281.
gnomAD v4.1: 287 of 188,982 alleles (0.15%); highest among the groups gnomAD compares: African/African-American, 0.61%; 1 homozygote.

Submission:

Illumina Laboratory Services, Illumina
Classification: Likely benign for Nephronophthisis-like nephropathy 1. Last evaluated: 2018-01-12. Review status: criteria provided, single submitter. Criteria: ICSL Variant Classification Criteria 13 December 2019. Collection method: clinical testing. Allele origin: germline.
Comment: This variant was observed in the ICSL laboratory as part of a predisposition screen in an ostensibly healthy population. It had not been previously curated by ICSL or reported in the Human Gene Mutation Database (HGMD: prior to June 1st, 2018), and was therefore a candidate for classification through an automated scoring system. Utilizing variant allele frequency, disease prevalence and penetrance estimates, and inheritance mode, an automated score was calculated to assess if this variant is too frequent to cause the disease. Based on the score and internal cut-off values, a variant classified as likely benign is not then subjected to further curation. The score for this variant resulted in a classification of likely benign for this disease.